The following is an entry in ClinVar:

NM_001267550.2(TTN):c.82909A>T (p.Lys27637Ter)

Genes: TTN (titin; minus strand), TTN-AS1 (TTN antisense RNA 1; plus strand). Cytogenetic location: 2q31.2.
Variant type: single nucleotide variant.
Coding change: c.82909A>T on transcript NM_001267550.2 (MANE Select); coding-DNA position 82909, A replaced by T.
Protein change: p.Lys27637Ter; replaces lysine 27637 with a stop codon.
Molecular consequence: nonsense.
Genome position (GRCh38, 1-based): chr2:178,563,223, T>A on the plus strand (A>T on the coding strand, the complement: TTN is on the minus strand). VCF-style: chr2-178563223-T-A. GRCh37 (hg19) VCF-style: chr2-179427950-T-A.
Other names: c.77986A>T, p.Lys25996Ter (NM_001256850.1); c.55714A>T, p.Lys18572Ter (NM_003319.4); c.75205A>T, p.Lys25069Ter (NM_133378.4); c.56089A>T, p.Lys18697Ter (NM_133432.3); c.56290A>T, p.Lys18764Ter (NM_133437.4); short protein forms K18697*, K18572*, K25996*, K27637*, K18764*, K25069*.
Identifiers: ClinVar variation 2947298 (VCV002947298.5), dbSNP rs2468154010, ClinGen allele CA349570707.

ClinVar aggregate classification (germline): Likely pathogenic. Review status: criteria provided, multiple submitters, no conflicts (2 of 4 stars). 3 submissions from 3 submitters: Likely pathogenic (2). 1 of the submissions does not count toward it. Last evaluated 2024-12-23.

Conditions:
Cardiovascular phenotype. Identifiers: MedGen CN230736.
Dilated cardiomyopathy 1G (CMD1G). Identifiers: Orphanet 154, MedGen C1858763, MONDO:0011400, OMIM 604145.
Autosomal recessive limb-girdle muscular dystrophy type 2J (LGMDR10). Also called: Limb-girdle muscular dystrophy, type 2J; MUSCULAR DYSTROPHY, LIMB-GIRDLE, AUTOSOMAL RECESSIVE 10. Identifiers: Orphanet 140922, MedGen C1837342, MONDO:0012127, OMIM 608807.
TTN-related disorder. Also called: TTN-related condition; TTN-related disease; TTN-related disorders.

Submissions (3):

Ambry Genetics
Classification: Likely pathogenic for Cardiovascular phenotype. Last evaluated: 2024-12-23. Review status: criteria provided, single submitter. Criteria: Ambry Variant Classification Scheme 2023. Collection method: clinical testing. Allele origin: germline.
Comment: The p.K18572* variant (also known as c.55714A>T), located in coding exon 153 of the TTN gene, results from an A to T substitution at nucleotide position 55714. This changes the amino acid from a lysine to a stop codon within coding exon 153. This exon is located in the A-band region of the N2-B isoform of the titin protein and is constitutively expressed in TTN transcripts (percent spliced in or PSI 100%). This variant is considered to be rare based on population cohorts in the Genome Aggregation Database (gnomAD). This alteration is expected to result in loss of function by premature protein truncation or nonsense-mediated mRNA decay. While truncating variants in TTN are present in 1-3% of the general population, truncating variants in the A-band are the most common cause of dilated cardiomyopathy (DCM) (Herman DS et al. N. Engl. J. Med., 2012 Feb;366:619-28; Roberts AM et al. Sci Transl Med, 2015 Jan;7:270ra6). TTN truncating variants encoded in constitutive exons (PSI >90%) have been found to be significantly associated with DCM regardless of their position in titin (Schafer S et al. Nat. Genet., 2017 01;49:46-53). Based on the majority of available evidence to date, this variant is likely to be pathogenic.

Labcorp Genetics (formerly Invitae), Labcorp
Classification: Likely pathogenic for Dilated cardiomyopathy 1G; Autosomal recessive limb-girdle muscular dystrophy type 2J. Last evaluated: 2023-08-27. Review status: criteria provided, single submitter. Criteria: Invitae Variant Classification Sherloc (09022015). Collection method: clinical testing. Allele origin: germline.
Comment: In summary, the currently available evidence indicates that the variant is pathogenic, but additional data are needed to prove that conclusively. Therefore, this variant has been classified as Likely Pathogenic. This variant is located in the A band of TTN (PMID: 25589632). Truncating variants in this region are significantly overrepresented in patients affected with dilated cardiomyopathy (PMID: 25589632). Truncating variants in this region have also been reported in individuals affected with autosomal recessive centronuclear myopathy (PMID: 23975875). This variant has not been reported in the literature in individuals affected with TTN-related conditions. This variant is not present in population databases (gnomAD no frequency). This sequence change creates a premature translational stop signal (p.Lys27637*) in the TTN gene. While this is not anticipated to result in nonsense mediated decay, it is expected to create a truncated TTN protein.

PreventionGenetics, part of Exact Sciences
Classification: Likely pathogenic for TTN-related condition. Last evaluated: 2024-03-29. Review status: no assertion criteria provided. Collection method: clinical testing. Allele origin: germline. Not counted in ClinVar's aggregate classification.
Comment: The TTN c.82909A>T variant is predicted to result in premature protein termination (p.Lys27637*). To our knowledge, this variant has not been reported in the literature or in a large population database, indicating this variant is rare. This variant is located in the A-band region of the protein in which truncating TTN variants have been found more frequently in dilated cardiomyopathy patients than in controls (Herman et al. 2012. PubMed ID: 22335739). RNAseq studies from heart tissue indicate this exon is commonly included in TTN mRNA transcripts (PSI of 95%-100%); however, this analysis in muscle tissue was not performed (Roberts et al. 2015. PMID: 25589632). TTN truncating variants are reported in 1-2% of presumably healthy individuals and occur more frequently in exons with low PSI values, indicating this variant is more likely to be disease causing (Herman et al. 2012. PMID: 22335739; Roberts et al. 2015. PMID: 25589632). In summary, this variant is interpreted as likely pathogenic for both autosomal dominant and autosomal recessive TTN-related disorders.

Literature cited by the submitters: PubMed 25589632 (cited by Labcorp Genetics (formerly Invitae), Labcorp); PubMed 23975875 (cited by Labcorp Genetics (formerly Invitae), Labcorp).